The following is an entry in ClinVar:

NM_003128.3(SPTBN1):c.4559T>C (p.Val1520Ala)

Gene: SPTBN1 (spectrin beta, non-erythrocytic 1; plus strand). Cytogenetic location: 2p16.2.
Variant type: single nucleotide variant.
Coding change: c.4559T>C on transcript NM_003128.3 (MANE Select); coding-DNA position 4559, T replaced by C.
Protein change: p.Val1520Ala; replaces valine 1520 with alanine.
Molecular consequence: missense variant.
Genome position (GRCh38, 1-based): chr2:54,645,992, T>C. VCF-style: chr2-54645992-T-C. GRCh37 (hg19) VCF-style: chr2-54873129-T-C.
Other names: c.4520T>C, p.Val1507Ala (NM_178313.3); short protein forms V1507A, V1520A.
Identifiers: ClinVar variation 3372598 (VCV003372598.2).

ClinVar aggregate classification (germline): Uncertain significance (1 of 4 stars; one submission).

Submission:

GeneDx
Classification: Uncertain significance. Last evaluated: 2025-07-20. Review status: criteria provided, single submitter. Criteria: GeneDx Variant Classification Process June 2021. Collection method: clinical testing. Allele origin: germline. Affected: yes.
Comment: Not observed at significant frequency in large population cohorts (gnomAD); In silico analysis supports that this missense variant has a deleterious effect on protein structure/function; Has not been previously published as pathogenic or benign to our knowledge